The following is an entry in ClinVar:

NM_024642.5(GALNT12):c.571C>G (p.Leu191Val)

Gene: GALNT12 (polypeptide N-acetylgalactosaminyltransferase 12; plus strand). Cytogenetic location: 9q22.33.
Variant type: single nucleotide variant.
Coding change: c.571C>G on transcript NM_024642.5 (MANE Select); coding-DNA position 571, C replaced by G.
Protein change: p.Leu191Val; replaces leucine 191 with valine.
Molecular consequence: missense variant.
Genome position (GRCh38, 1-based): chr9:98,826,781, C>G. VCF-style: chr9-98826781-C-G. GRCh37 (hg19) VCF-style: chr9-101589063-C-G.
Other names: short protein forms L191V.
Identifiers: ClinVar variation 2681956 (VCV002681956.2), dbSNP rs2490501441, ClinGen allele CA374217344.
Genomic context (GRCh38, chr9:98,826,781, plus strand): 5'-GTGACCCCTGTTGCTTTGTTTGCCTCCCTAGAGCACCTGAAGGAGCGCTTGGCCAATGAG[C>G]TTTCGGGACTGCCCAAGGTGCGCCTGATCCGCGCCAACAAGAGAGAGGGCCTGGTGCGAG-3'
Protein context (NP_078918.3, residues 181-201): EHLKERLANE[Leu191Val]SGLPKVRLIR

ClinVar aggregate classification (germline): Uncertain significance. Review status: criteria provided, multiple submitters, no conflicts (2 of 4 stars). 2 submissions from 2 submitters: Uncertain significance (2). Last evaluated 2024-05-19.

Submissions (2):

Ambry Genetics
Classification: Uncertain significance. Last evaluated: 2024-05-19. Review status: criteria provided, single submitter. Criteria: Ambry Variant Classification Scheme 2023. Collection method: clinical testing. Allele origin: germline.
Comment: The p.L191V variant (also known as c.571C>G), located in coding exon 3 of the GALNT12 gene, results from a C to G substitution at nucleotide position 571. The leucine at codon 191 is replaced by valine, an amino acid with highly similar properties. This amino acid position is conserved. In addition, this alteration is predicted to be tolerated by in silico analysis. Based on the available evidence, the clinical significance of this variant remains unclear.

Quest Diagnostics Nichols Institute San Juan Capistrano
Classification: Uncertain significance. Last evaluated: 2023-09-07. Review status: criteria provided, single submitter. Criteria: Quest Diagnostics criteria. Collection method: clinical testing. Allele origin: unknown.
Comment: To the best of our knowledge, this variant has not been reported in the published literature. It also has not been reported in large, multi-ethnic general populations (Genome Aggregation Database). Analysis of this variant using bioinformatics tools for the prediction of the effect of amino acid changes on protein structure and function yielded predictions that this variant is benign. Based on the available information, we are unable to determine the clinical significance of this variant.